The following is an entry in ClinVar:

NM_020937.4(FANCM):c.1456C>T (p.Arg486Ter)

Gene: FANCM (FA complementation group M; plus strand). Cytogenetic location: 14q21.2.
Variant type: single nucleotide variant.
Coding change: c.1456C>T on transcript NM_020937.4 (MANE Select); coding-DNA position 1456, C replaced by T.
Protein change: p.Arg486Ter; replaces arginine 486 with a stop codon.
Molecular consequence: nonsense.
Genome position (GRCh38, 1-based): chr14:45,159,155, C>T. VCF-style: chr14-45159155-C-T. GRCh37 (hg19) VCF-style: chr14-45628358-C-T.
Other names: c.1378C>T, p.Arg460Ter (NM_001308133.2); c.1456C>T, p.Arg486Ter (NM_001308134.2); short protein forms R486*, R460*.
Identifiers: ClinVar variation 965604 (VCV000965604.12), dbSNP rs1011870043, ClinGen allele CA259618717.

ClinVar aggregate classification (germline): Pathogenic/Likely pathogenic. Review status: criteria provided, multiple submitters, no conflicts (2 of 4 stars). 3 submissions from 3 submitters: Pathogenic (1); Likely pathogenic (2). Last evaluated 2025-08-13.

Conditions:
Hereditary cancer-predisposing syndrome. Also called: Hereditary neoplastic syndrome; Neoplastic Syndromes, Hereditary; Hereditary Cancer Syndrome; Tumor predisposition. Identifiers: Orphanet 140162, MedGen C0027672, MeSH D009386, MONDO:0015356.
Fanconi anemia (FA). Also called: Fanconi's anemia. Identifiers: Orphanet 84, MedGen C0015625, MeSH D005199, MONDO:0019391.

Allele frequency attached by ClinVar (database versions not stated): gnomAD 0.00002; gnomAD exomes 0.00002; TOPMed 0.00002.
gnomAD v4.1: 43 of 1,612,758 alleles (0.0027%); highest among the groups gnomAD compares: Non-Finnish European, 0.0031%; no homozygotes.

Submissions (3):

GeneDx
Classification: Likely pathogenic. Last evaluated: 2025-08-13. Review status: criteria provided, single submitter. Criteria: GeneDx Variant Classification Process June 2021. Collection method: clinical testing. Allele origin: germline. Affected: yes.
Comment: Nonsense variant predicted to result in protein truncation or nonsense mediated decay in a gene for which loss of function is a known mechanism of disease; Not observed at significant frequency in large population cohorts (gnomAD); Observed in individuals with colon cancer, breast cancer, or acute myeloid leukemia (PMID: 31263571, 32868804, 37444426); This variant is associated with the following publications: (PMID: 31263571, 32868804, 33471991, 29895858, 30075111, 37444426)

Labcorp Genetics (formerly Invitae), Labcorp
Classification: Pathogenic for Fanconi anemia. Last evaluated: 2024-06-23. Review status: criteria provided, single submitter. Criteria: Invitae Variant Classification Sherloc (09022015). Collection method: clinical testing. Allele origin: germline.
Comment: This sequence change creates a premature translational stop signal (p.Arg486*) in the FANCM gene. It is expected to result in an absent or disrupted protein product. Loss-of-function variants in FANCM are known to be pathogenic (PMID: 29895858, 30075111). This variant is not present in population databases (gnomAD no frequency). This variant has not been reported in the literature in individuals affected with FANCM-related conditions. ClinVar contains an entry for this variant (Variation ID: 965604). For these reasons, this variant has been classified as Pathogenic.

Sema4
Classification: Likely pathogenic for Hereditary cancer-predisposing syndrome. Last evaluated: 2021-08-11. Review status: criteria provided, single submitter. Criteria: Sema4 Curation Guidelines. Collection method: curation. Allele origin: germline.
Comment: The FANCM c.1456C>T (p.R486X) variant has been reported in heterozygosity in at least three individuals with leukemia, colorectal cancer, or breast cancer (PMID: 32868804, 31263571, 33471991). In a breast cancer case-control study, the variant was also reported in 1/60466 breast cancer cases and in 2/53461 controls (PMID: 33471991). This nonsense variant creates a premature stop codon at residue 486 of the FANCM protein. At this location, this is predicted to cause nonsense-mediated decay and result in an absent protein (loss of function). This variant was observed in 3/68020 chromosomes in the European (non-Finnish) population according to the Genome Aggregation Database (PMID: 32461654). This variant has been reported in ClinVar (Variation ID: 965604). Based on the current evidence available, this variant is interpreted as likely pathogenic.

Literature cited by the submitters: PubMed 29895858 (cited by Labcorp Genetics (formerly Invitae), Labcorp); PubMed 30075111 (cited by Labcorp Genetics (formerly Invitae), Labcorp); PubMed 32868804 (cited by Sema4); PubMed 31263571 (cited by Sema4); PubMed 33471991 (cited by Sema4).